The following is an entry in ClinVar:

ClinVar aggregate classification (germline): Uncertain significance (1 of 4 stars; one submission).

Allele frequency attached by ClinVar (database versions not stated): TOPMed below 0.00001; gnomAD 0.00001.
gnomAD v4.1: 1 of 1,613,696 alleles (0.000062%); highest among the groups gnomAD compares: Admixed American, 0.0017%; no homozygotes.

Submission:

Ambry Genetics
Classification: Uncertain significance. Last evaluated: 2022-07-14. Review status: criteria provided, single submitter. Criteria: Ambry Variant Classification Scheme 2023. Collection method: clinical testing. Allele origin: germline.
Comment: The p.E470K variant (also known as c.1408G>A), located in coding exon 13 of the RAD54L gene, results from a G to A substitution at nucleotide position 1408. The glutamic acid at codon 470 is replaced by lysine, an amino acid with similar properties. This amino acid position is conserved. In addition, this alteration is predicted to be tolerated by in silico analysis. Since supporting evidence is limited at this time, the clinical significance of this alteration remains unclear.

NM_003579.4(RAD54L):c.1408G>A (p.Glu470Lys)

Gene: RAD54L (RAD54 like; plus strand). Cytogenetic location: 1p34.1.
Variant type: single nucleotide variant.
Coding change: c.1408G>A on transcript NM_003579.4 (MANE Select); coding-DNA position 1408, G replaced by A.
Protein change: p.Glu470Lys; replaces glutamic acid 470 with lysine.
Molecular consequence: missense variant.
Genome position (GRCh38, 1-based): chr1:46,273,387, G>A. VCF-style: chr1-46273387-G-A. GRCh37 (hg19) VCF-style: chr1-46739059-G-A.
Other names: c.1408G>A, p.Glu470Lys (NM_001142548.2); c.868G>A, p.Glu290Lys (NM_001370766.1); short protein forms E290K, E470K.
Identifiers: ClinVar variation 1771954 (VCV001771954.2), dbSNP rs1220523235, ClinGen allele CA340180539.
Genomic context (GRCh38, chr1:46,273,387, plus strand): 5'-ATCTGGGTTTTGTTTTGTTTTCTCCCAGATCCAGCTCTAATCTATGATAAGTGTGTGGAA[G>A]AGGAGGATGGCTTTGTGGGTGCCTTGGACCTCTTCCCTCCTGGTTACAGCTCTAAGGCCC-3'
Protein context (NP_003570.2, residues 460-480): PALIYDKCVE[Glu470Lys]EDGFVGALDL